The following is an entry in ClinVar:

ClinVar aggregate classification (germline): Likely benign. Review status: criteria provided, multiple submitters, no conflicts (2 of 4 stars). 3 submissions from 3 submitters: Likely benign (3). Last evaluated 2026-06-25.

Conditions:
PDGFRB-related disorder. Also called: PDGFRB-related condition.
Acroosteolysis-keloid-like lesions-premature aging syndrome. Also called: Progeroid syndrome, Penttinen type; Premature aging syndrome, Penttinen type; Prematurely aged appearance, delayed bone maturation, acro-osteolysis, and brachydactyly. Identifiers: Orphanet 363665, MedGen C1866182, MONDO:0011150, OMIM 601812.
Basal ganglia calcification, idiopathic, 4 (PFBC4). Also called: PRIMARY FAMILIAL BRAIN CALCIFICATION 4, AUTOSOMAL DOMINANT; Familial Idiopathic Basal Ganglia Calcification 4. Identifiers: Orphanet 1980, MedGen C3554321, MONDO:0014004, OMIM 615007.
Infantile myofibromatosis (IMF). Also called: Congenital generalized fibromatosis. Identifiers: Orphanet 2591, MedGen C0432284, MONDO:0016824.
Skeletal overgrowth-craniofacial dysmorphism-hyperelastic skin-white matter lesions syndrome. Also called: SKELETAL OVERGROWTH WITH FACIAL DYSMORPHISM, HYPERELASTIC SKIN, WHITE MATTER LESIONS, AND NEUROLOGIC DETERIORATION; Kosaki overgrowth syndrome. Identifiers: Orphanet 477831, MedGen C4225270, MONDO:0014704, OMIM 616592.
Inborn genetic diseases. Identifiers: MedGen C0950123, MeSH D030342.

Allele frequency attached by ClinVar (database versions not stated): ExAC 0.00007; gnomAD 0.00002 and 0.00003; 1000 Genomes Project 30x 0.00031; 1000 Genomes Project 0.00040; TOPMed 0.00002.

Submissions (3):

PreventionGenetics, part of Exact Sciences
Classification: Likely benign for PDGFRB-related condition. Last evaluated: 2026-06-25. Review status: criteria provided, single submitter. Criteria: ACMG Guidelines, 2015. Collection method: clinical testing. Allele origin: germline.
Comment: This variant is classified as likely benign based on ACMG/AMP sequence variant interpretation guidelines (Richards et al. 2015 PMID: 25741868, with internal and published modifications).

Labcorp Genetics (formerly Invitae), Labcorp
Classification: Likely benign for Basal ganglia calcification, idiopathic, 4; Skeletal overgrowth-craniofacial dysmorphism-hyperelastic skin-white matter lesions syndrome; Infantile myofibromatosis; Acroosteolysis-keloid-like lesions-premature aging syndrome. Last evaluated: 2023-04-24. Review status: criteria provided, single submitter. Criteria: Invitae Variant Classification Sherloc (09022015). Collection method: clinical testing. Allele origin: germline.

Ambry Genetics
Classification: Likely benign for Inborn genetic diseases. Last evaluated: 2022-02-03. Review status: criteria provided, single submitter. Criteria: Ambry Variant Classification Scheme 2023. Collection method: clinical testing. Allele origin: germline.

NM_002609.4(PDGFRB):c.541G>A (p.Gly181Ser)

Gene: PDGFRB (platelet derived growth factor receptor beta; minus strand). Cytogenetic location: 5q32.
Variant type: single nucleotide variant.
Coding change: c.541G>A on transcript NM_002609.4 (MANE Select); coding-DNA position 541, G replaced by A.
Protein change: p.Gly181Ser; replaces glycine 181 with serine.
Molecular consequence: missense variant. On other transcripts: synonymous variant (1).
Genome position (GRCh38, 1-based): chr5:150,134,840, C>T on the plus strand (G>A on the coding strand, the complement: PDGFRB is on the minus strand). VCF-style: chr5-150134840-C-T. GRCh37 (hg19) VCF-style: chr5-149514403-C-T.
Other names: c.349G>A, p.Gly117Ser (NM_001355016.2); c.24G>A, p.Leu8= (NM_001355017.2); c.541G>A (NM_002609.3); short protein forms G117S, G181S.
Identifiers: ClinVar variation 1134052 (VCV001134052.11), dbSNP rs574853772, ClinGen allele CA3508287.